The following is an entry in ClinVar:

ClinVar aggregate classification (germline): Likely benign (1 of 4 stars; one submission).

Submission:

CeGaT Center for Human Genetics Tuebingen
Classification: Likely benign. Last evaluated: 2025-04-01. Review status: criteria provided, single submitter. Criteria: CeGaT Center For Human Genetics Tuebingen Variant Classification Criteria Version 2. Collection method: clinical testing. Allele origin: germline. Affected: yes. Observed: 1 variant allele.
Comment: HERC2: BP4, BP7

NM_004667.6(HERC2):c.1215G>A (p.Thr405=)

Gene: HERC2 (HECT and RLD domain containing E3 ubiquitin protein ligase 2; minus strand). Cytogenetic location: 15q13.1.
Variant type: single nucleotide variant.
Coding change: c.1215G>A on transcript NM_004667.6 (MANE Select); coding-DNA position 1215, G replaced by A.
Protein change: p.Thr405=; no amino-acid change (threonine 405 retained).
Molecular consequence: synonymous variant.
Genome position (GRCh38, 1-based): chr15:28,270,737, C>T on the plus strand (G>A on the coding strand, the complement: HERC2 is on the minus strand). VCF-style: chr15-28270737-C-T. GRCh37 (hg19) VCF-style: chr15-28515883-C-T.
Identifiers: ClinVar variation 3898433 (VCV003898433.7).